The following is an entry in ClinVar:

NM_001166108.2(PALLD):c.2522A>G (p.Tyr841Cys)

Genes: CBR4 (carbonyl reductase 4; minus strand), PALLD (palladin, cytoskeletal associated protein; plus strand). Cytogenetic location: 4q32.3.
Variant type: single nucleotide variant.
Coding change: c.2522A>G on transcript NM_001166108.2 (MANE Select); coding-DNA position 2522, A replaced by G.
Protein change: p.Tyr841Cys; replaces tyrosine 841 with cysteine.
Molecular consequence: missense variant.
Genome position (GRCh38, 1-based): chr4:168,903,806, A>G. VCF-style: chr4-168903806-A-G. GRCh37 (hg19) VCF-style: chr4-169824957-A-G.
Other names: c.1010A>G (NM_001166110.1); c.401A>G, p.Tyr134Cys (NM_001367570.1, NM_001367568.1); c.2471A>G, p.Tyr824Cys (NM_016081.4); c.1325A>G, p.Tyr442Cys (NM_001166109.2); c.1010A>G, p.Tyr337Cys (NM_001166110.2); c.350A>G, p.Tyr117Cys (NM_001367567.1, NM_001367569.1); short protein forms Y134C, Y841C, Y117C, Y337C, Y442C, Y824C.
Identifiers: ClinVar variation 3706818 (VCV003706818.3).
Genomic context (GRCh38, chr4:168,903,806, plus strand): 5'-TCTATTCACAGATCTATTGGTTTAAAGATGGGAAGCAGATCTCTCCAAAGAGTGATCACT[A>G]CACCATTCAAAGAGATCTCGATGGGACCTGCTCCCTCCATACCACAGCCTCCACCCTAGA-3'
Protein context (NP_001159580.1, residues 831-851): GKQISPKSDH[Tyr841Cys]TIQRDLDGTC

ClinVar aggregate classification (germline): Uncertain significance. Review status: criteria provided, multiple submitters, no conflicts (2 of 4 stars). 2 submissions from 2 submitters: Uncertain significance (2). Last evaluated 2025-12-28.

Conditions:
Pancreatic adenocarcinoma. Identifiers: MedGen C0281361, MONDO:0006047, HP:0006725.

gnomAD v4.1: 2 of 1,611,044 alleles (0.00012%); highest among the groups gnomAD compares: Non-Finnish European, 0.000085%; no homozygotes.

Submissions (2):

Ambry Genetics
Classification: Uncertain significance. Last evaluated: 2025-12-28. Review status: criteria provided, single submitter. Criteria: Ambry Variant Classification Scheme 2023. Collection method: clinical testing. Allele origin: germline.
Comment: The p.Y337C variant (also known as c.1010A>G), located in coding exon 5 of the PALLD gene, results from an A to G substitution at nucleotide position 1010. The tyrosine at codon 337 is replaced by cysteine, an amino acid with highly dissimilar properties. This amino acid position is conserved. In addition, this alteration is predicted to be deleterious by in silico analysis. Based on the available evidence, the clinical significance of this variant remains unclear.

Labcorp Genetics (formerly Invitae), Labcorp
Classification: Uncertain significance for Pancreatic adenocarcinoma. Last evaluated: 2024-06-05. Review status: criteria provided, single submitter. Criteria: Invitae Variant Classification Sherloc (09022015). Collection method: clinical testing. Allele origin: germline.
Comment: This sequence change replaces tyrosine, which is neutral and polar, with cysteine, which is neutral and slightly polar, at codon 337 of the PALLD protein (p.Tyr337Cys). This variant is present in population databases (no rsID available, gnomAD 0.004%). This variant has not been reported in the literature in individuals affected with PALLD-related conditions. An algorithm developed to predict the effect of missense changes on protein structure and function (PolyPhen-2) suggests that this variant is likely to be disruptive. In summary, the available evidence is currently insufficient to determine the role of this variant in disease. Therefore, it has been classified as a Variant of Uncertain Significance.